The following is an entry in ClinVar:

ClinVar aggregate classification (germline): Uncertain significance (1 of 4 stars; one submission).

Conditions:
Kleefstra syndrome 2 (KLEFS2). Identifiers: MedGen C4540395, MONDO:0054701, OMIM 617768.

Allele frequency attached by ClinVar (database versions not stated): gnomAD exomes below 0.00001.
gnomAD v4.1: 1 of 1,613,776 alleles (0.000062%); highest among the groups gnomAD compares: Non-Finnish European, 0.000085%; no homozygotes.

Submission:

Victorian Clinical Genetics Services, Murdoch Childrens Research Institute
Classification: Uncertain significance for Kleefstra syndrome 2. Last evaluated: 2020-05-25. Review status: criteria provided, single submitter. Criteria: ACMG Guidelines, 2015. Collection method: clinical testing. Allele origin: germline. Inheritance: Autosomal dominant inheritance. Affected: yes.
Comment: Based on the classification scheme VCGS_Germline_v1.1.1, this variant is classified as VUS – 3B. Following criteria are met: 0102 - Loss-of-function is a known mechanism of disease for this gene. (N) 0107 - This gene is known to be associated with autosomal dominant disease. (N) 0200 - Variant is predicted to result in a missense amino acid change from glycine to valine (exon 36). (N) 0251 - Variant is heterozygous. (N) 0301 - Variant is absent from gnomAD. (P) 0501 - Missense variant consistently predicted to be damaging by multiple in silico tools or highly conserved with a major amino acid change. (P) 0604 - Variant is not located in an established domain, motif, hotspot or informative constraint region. (N) 0705 - No comparable variants have previous evidence for pathogenicity. (N) 0807 - Variant has not previously been reported in a clinical context. (N) 0905 - No segregation evidence has been identified for this variant. (N) 1007 - No published functional evidence has been identified for this variant. (N) 1208 - Inheritance information for this variant is not currently available. (N) Legend: (P) - Pathogenic, (N) - Neutral, (B) - Benign

NM_170606.3(KMT2C):c.6491G>T (p.Gly2164Val)

Gene: KMT2C (lysine methyltransferase 2C; minus strand). Cytogenetic location: 7q36.1.
Variant type: single nucleotide variant.
Coding change: c.6491G>T on transcript NM_170606.3 (MANE Select); coding-DNA position 6491, G replaced by T.
Protein change: p.Gly2164Val; replaces glycine 2164 with valine.
Molecular consequence: missense variant.
Genome position (GRCh38, 1-based): chr7:152,181,369, C>A on the plus strand (G>T on the coding strand, the complement: KMT2C is on the minus strand). VCF-style: chr7-152181369-C-A. GRCh37 (hg19) VCF-style: chr7-151878454-C-A.
Other names: short protein forms G2164V.
Identifiers: ClinVar variation 1805829 (VCV001805829.1), dbSNP rs2129119888, ClinGen allele CA370093091.